The following is an entry in ClinVar:

NM_002303.6(LEPR):c.2674-5914G>A

Gene: LEPR (leptin receptor; plus strand). Cytogenetic location: 1p31.3.
Variant type: single nucleotide variant.
Coding change: c.2674-5914G>A on transcript NM_002303.6 (MANE Select); 5914 bases into the intron before coding-DNA position 2674, G replaced by A.
Molecular consequence: intron variant. On other transcripts: missense variant (2).
Genome position (GRCh38, 1-based): chr1:65,630,277, G>A. VCF-style: chr1-65630277-G-A. GRCh37 (hg19) VCF-style: chr1-66095960-G-A.
Other names: c.2749G>A, p.Gly917Arg (NM_001003680.3, NM_001198687.2); c.2674-2875G>A (NM_001003679.3, NM_001198689.2); short protein forms G917R.
Identifiers: ClinVar variation 3347599 (VCV003347599.1).

ClinVar aggregate classification (germline): Likely benign (0 of 4 stars; one submission).

Conditions:
LEPR-related disorder. Also called: LEPR-related condition; LEPR-related disorders.

Submission:

PreventionGenetics, part of Exact Sciences
Classification: Likely benign for LEPR-related condition. Last evaluated: 2024-08-13. Review status: no assertion criteria provided. Collection method: clinical testing. Allele origin: germline.
Comment: This variant is classified as likely benign based on ACMG/AMP sequence variant interpretation guidelines (Richards et al. 2015 PMID: 25741868, with internal and published modifications).